The following is an entry in ClinVar:

NM_001903.5(CTNNA1):c.1748-19T>C

Gene: CTNNA1 (catenin alpha 1; plus strand). Cytogenetic location: 5q31.2.
Variant type: single nucleotide variant.
Coding change: c.1748-19T>C on transcript NM_001903.5 (MANE Select); 19 bases into the intron before coding-DNA position 1748, T replaced by C.
Molecular consequence: intron variant.
Genome position (GRCh38, 1-based): chr5:138,925,237, T>C. VCF-style: chr5-138925237-T-C. GRCh37 (hg19) VCF-style: chr5-138260926-T-C.
Other names: c.1748-19T>C (NM_001323982.2, NM_001323984.2, NM_001290307.3 and 2 more transcripts); c.1655-19T>C (NM_001323986.2); c.1379-19T>C (NM_001290310.3); c.1439-19T>C (NM_001290309.3); c.638-19T>C (NM_001323996.1, NM_001323993.1, NM_001324005.1 and 17 more transcripts); c.299-19T>C (NM_001324007.1, NM_001324009.1, NM_001324006.1 and 2 more transcripts); c.395-19T>C (NM_001324013.1, NM_001324012.1); c.545-19T>C (NM_001324011.1).
Identifiers: ClinVar variation 3773416 (VCV003773416.1).

ClinVar aggregate classification (germline): Likely benign (1 of 4 stars; one submission).

Conditions:
Hereditary diffuse gastric adenocarcinoma (HDGC). Also called: DIFFUSE GASTRIC AND LOBULAR BREAST CANCER SYNDROME. Identifiers: Orphanet 26106, MedGen C1708349, MONDO:0007648, OMIM 137215.

Submission:

Myriad Genetics, Inc.
Classification: Likely benign for Hereditary diffuse gastric adenocarcinoma. Last evaluated: 2024-10-14. Review status: criteria provided, single submitter. Criteria: Myriad Autosomal Dominant, Autosomal Recessive and X-Linked Classification Criteria (2023). Collection method: clinical testing. Allele origin: unknown.
Comment: This variant is considered likely benign. This variant is intronic and is not expected to impact mRNA splicing.